The following is an entry in ClinVar:

NM_018136.5(ASPM):c.2936+5G>A

Gene: ASPM (assembly factor for spindle microtubules; minus strand). Cytogenetic location: 1q31.3.
Variant type: single nucleotide variant.
Coding change: c.2936+5G>A on transcript NM_018136.5 (MANE Select); 5 bases into the intron after coding-DNA position 2936, G replaced by A.
Molecular consequence: intron variant.
Genome position (GRCh38, 1-based): chr1:197,128,485, C>T on the plus strand (G>A on the coding strand, the complement: ASPM is on the minus strand). VCF-style: chr1-197128485-C-T. GRCh37 (hg19) VCF-style: chr1-197097615-C-T.
Other names: c.2936+5G>A (NM_001206846.2).
Identifiers: ClinVar variation 489064 (VCV000489064.3), dbSNP rs199422150, ClinGen allele CA1310318.

ClinVar aggregate classification (germline): Likely pathogenic. Review status: criteria provided, multiple submitters, no conflicts (2 of 4 stars). 2 submissions from 2 submitters: Likely pathogenic (2). Last evaluated 2026-05-21.

Conditions:
Microcephaly 5, primary, autosomal recessive (MCPH5). Also called: ASPM Primary Microcephaly. Identifiers: Orphanet 2512, MedGen C1837501, MONDO:0012106, OMIM 608716.

Allele frequency attached by ClinVar (database versions not stated): gnomAD exomes below 0.00001; TOPMed below 0.00001; ExAC 0.00001; gnomAD 0.00001.
gnomAD v4.1: 2 of 1,608,004 alleles (0.00012%); highest among the groups gnomAD compares: South Asian, 0.0011%; no homozygotes.

Submissions (2):

Department of Human Genetics, Hannover Medical School
Classification: Likely pathogenic for Microcephaly 5, primary, autosomal recessive. Last evaluated: 2026-05-21. Review status: criteria provided, single submitter. Criteria: ACMG Guidelines, 2015. Collection method: clinical testing. Allele origin: germline. Affected: yes.
Comment: ACMG/ClinGen: PS4_Supporting, PM2_Supporting, PM3, PP3, PP4

GeneDx
Classification: Likely pathogenic. Last evaluated: 2017-10-04. Review status: criteria provided, single submitter. Criteria: GeneDx Variant Classification (06012015). Collection method: clinical testing. Allele origin: germline. Affected: yes.
Comment: The c.2936+5 G>A variant in the ASPM gene has been observed as a homozygous variant (reported as c.2936 +5 G>T in Table 1) in a consanguineous Pakistani family with congenital microcephaly (Bond et al., 2003). The c.2936+5 G>A variant is not observed at a significant frequency in large population cohorts (Lek et al., 2016). It alters a position that is conserved across species. In silico splice prediction models suggest that the c.2936+5 G>A variant may damage the natural splice donor site of intron 10. However, in the absence of RNA/functional studies, the effect of this sequence change in this individual is unknown. Therefore, this variant is likely pathogenic; however, the possibility that it is benign cannot be completely excluded.